The following is an entry in ClinVar:

NM_205836.3(FBXO38):c.703A>G (p.Arg235Gly)

Gene: FBXO38 (F-box protein 38; plus strand). Cytogenetic location: 5q32.
Variant type: single nucleotide variant.
Coding change: c.703A>G on transcript NM_205836.3 (MANE Select); coding-DNA position 703, A replaced by G.
Protein change: p.Arg235Gly; replaces arginine 235 with glycine.
Molecular consequence: missense variant.
Genome position (GRCh38, 1-based): chr5:148,404,795, A>G. VCF-style: chr5-148404795-A-G. GRCh37 (hg19) VCF-style: chr5-147784358-A-G.
Other names: c.703A>G, p.Arg235Gly (NM_001271723.2, NM_030793.5); short protein forms R235G.
Identifiers: ClinVar variation 2761370 (VCV002761370.3), dbSNP rs2531718755, ClinGen allele CA361656037.

ClinVar aggregate classification (germline): Uncertain significance (1 of 4 stars; one submission).

Conditions:
Distal hereditary motor neuropathy type 2. Identifiers: Orphanet 139525, MedGen C3711384, MeSH C580044, MONDO:0015352.

Submission:

Labcorp Genetics (formerly Invitae), Labcorp
Classification: Uncertain significance for Distal hereditary motor neuropathy type 2. Last evaluated: 2025-09-08. Review status: criteria provided, single submitter. Criteria: Invitae Variant Classification Sherloc (09022015). Collection method: clinical testing. Allele origin: germline.
Comment: This sequence change replaces arginine, which is basic and polar, with glycine, which is neutral and non-polar, at codon 235 of the FBXO38 protein (p.Arg235Gly). This variant is not present in population databases (gnomAD no frequency). This variant has not been reported in the literature in individuals affected with FBXO38-related conditions. ClinVar contains an entry for this variant (Variation ID: 2761370). Invitae Evidence Modeling of protein sequence and biophysical properties (such as structural, functional, and spatial information, amino acid conservation, physicochemical variation, residue mobility, and thermodynamic stability) has been performed for this missense variant. However, the output from this modeling did not meet the statistical confidence thresholds required to predict the impact of this variant on FBXO38 protein function. In summary, the available evidence is currently insufficient to determine the role of this variant in disease. Therefore, it has been classified as a Variant of Uncertain Significance.